The following is an entry in ClinVar:

ClinVar aggregate classification (germline): Benign. Review status: criteria provided, multiple submitters, no conflicts (2 of 4 stars). 3 submissions from 3 submitters: Benign (3). Last evaluated 2026-01-19.

Allele frequency attached by ClinVar (database versions not stated): gnomAD 0.00064 and 0.00085; TOPMed 0.00088; ExAC 0.00165; gnomAD exomes 0.00175; 1000 Genomes Project 30x 0.00531; 1000 Genomes Project 0.00579.
gnomAD v4.1: 794 of 1,612,986 alleles (0.049%); highest among the groups gnomAD compares: East Asian, 1.3%; 11 homozygotes.

Submissions (3):

Labcorp Genetics (formerly Invitae), Labcorp
Classification: Benign. Last evaluated: 2026-01-19. Review status: criteria provided, single submitter. Criteria: Invitae Variant Classification Sherloc (09022015). Collection method: clinical testing. Allele origin: germline.

GeneDx
Classification: Benign. Last evaluated: 2017-07-10. Review status: criteria provided, single submitter. Criteria: GeneDx Variant Classification (06012015). Collection method: clinical testing. Allele origin: germline. Affected: yes.
Comment: This variant is considered likely benign or benign based on one or more of the following criteria: it is a conservative change, it occurs at a poorly conserved position in the protein, it is predicted to be benign by multiple in silico algorithms, and/or has population frequency not consistent with disease.

Laboratory for Molecular Medicine, Mass General Brigham Personalized Medicine
Classification: Benign. Last evaluated: 2014-11-24. Review status: criteria provided, single submitter. Criteria: LMM Criteria. Collection method: clinical testing. Allele origin: germline. Observed: 2 variant alleles.
Comment: Thr331Ser in exon 5 of CHRM2: This variant is not expected to have clinical sign ificance because it has been identified in 3.5% (7/200) of Han Chinese chromosom es from a broad population by the 1000 Genomes Project (. gov/projects/SNP; dbSNP rs146328962).

NM_001006630.2(CHRM2):c.991A>T (p.Thr331Ser)

Genes: CHRM2 (cholinergic receptor muscarinic 2; plus strand), LOC349160 (uncharacterized LOC349160; minus strand). Cytogenetic location: 7q33.
Variant type: single nucleotide variant.
Coding change: c.991A>T on transcript NM_001006630.2 (MANE Select); coding-DNA position 991, A replaced by T.
Protein change: p.Thr331Ser; replaces threonine 331 with serine.
Molecular consequence: missense variant.
Genome position (GRCh38, 1-based): chr7:137,015,856, A>T. VCF-style: chr7-137015856-A-T. GRCh37 (hg19) VCF-style: chr7-136700603-A-T.
Other names: c.991A>T, p.Thr331Ser (NM_000739.3, NM_001006626.3, NM_001006627.3 and 6 more transcripts); short protein forms T331S.
Identifiers: ClinVar variation 478116 (VCV000478116.16), dbSNP rs146328962, ClinGen allele CA4500601.